The following is an entry in ClinVar:

ClinVar aggregate classification (germline): Uncertain significance (1 of 4 stars; one submission).

Submission:

Labcorp Genetics (formerly Invitae), Labcorp
Classification: Uncertain significance. Last evaluated: 2025-02-03. Review status: criteria provided, single submitter. Criteria: Invitae Variant Classification Sherloc (09022015). Collection method: clinical testing. Allele origin: germline.
Comment: This sequence change replaces leucine, which is neutral and non-polar, with phenylalanine, which is neutral and non-polar, at codon 592 of the KMT2A protein (p.Leu592Phe). This variant is not present in population databases (gnomAD no frequency). This variant has not been reported in the literature in individuals affected with KMT2A-related conditions. Invitae Evidence Modeling of protein sequence and biophysical properties (such as structural, functional, and spatial information, amino acid conservation, physicochemical variation, residue mobility, and thermodynamic stability) indicates that this missense variant is not expected to disrupt KMT2A protein function with a negative predictive value of 95%. In summary, the available evidence is currently insufficient to determine the role of this variant in disease. Therefore, it has been classified as a Variant of Uncertain Significance.

NM_001197104.2(KMT2A):c.1776A>T (p.Leu592Phe)

Gene: KMT2A (lysine methyltransferase 2A; plus strand). Cytogenetic location: 11q23.3.
Variant type: single nucleotide variant.
Coding change: c.1776A>T on transcript NM_001197104.2 (MANE Select); coding-DNA position 1776, A replaced by T.
Protein change: p.Leu592Phe; replaces leucine 592 with phenylalanine.
Molecular consequence: missense variant.
Genome position (GRCh38, 1-based): chr11:118,472,935, A>T. VCF-style: chr11-118472935-A-T. GRCh37 (hg19) VCF-style: chr11-118343650-A-T.
Other names: c.1875A>T, p.Leu625Phe (NM_001412597.1); c.1776A>T, p.Leu592Phe (NM_005933.4); short protein forms L592F, L625F.
Identifiers: ClinVar variation 3634305 (VCV003634305.2).